The following is an entry in ClinVar:

ClinVar aggregate classification (germline): Likely benign. Review status: criteria provided, multiple submitters, no conflicts (2 of 4 stars). 3 submissions from 3 submitters: Likely benign (3). Last evaluated 2026-01-22.

Conditions:
Gorlin syndrome. Also called: Nevoid Basal Cell Carcinoma Syndrome; Basal cell nevus syndrome. Identifiers: Orphanet 377, MedGen C0004779, MONDO:0007187.
Medulloblastoma (MDB). Also called: Medulloblastoma, somatic; MEDULLOBLASTOMA PREDISPOSITION SYNDROME. Identifiers: Orphanet 616, MedGen C0025149, MeSH D008527, MONDO:0007959, OMIM 155255, HP:0002885.
Hereditary cancer-predisposing syndrome. Also called: Neoplastic Syndromes, Hereditary; Tumor predisposition; Hereditary neoplastic syndrome; Hereditary Cancer Syndrome. Identifiers: Orphanet 140162, MedGen C0027672, MeSH D009386, MONDO:0015356.

gnomAD v4.1: 2 of 1,613,522 alleles (0.00012%); no homozygotes.

Submissions (3):

Labcorp Genetics (formerly Invitae), Labcorp
Classification: Likely benign for Gorlin syndrome; Medulloblastoma. Last evaluated: 2026-01-22. Review status: criteria provided, single submitter. Criteria: Invitae Variant Classification Sherloc (09022015). Collection method: clinical testing. Allele origin: germline.

CeGaT Center for Human Genetics Tuebingen
Classification: Likely benign. Last evaluated: 2025-08-01. Review status: criteria provided, single submitter. Criteria: CeGaT Center For Human Genetics Tuebingen Variant Classification Criteria Version 2. Collection method: clinical testing. Allele origin: germline. Affected: yes. Observed: 1 variant allele.
Comment: SUFU: BP4, BP7

Ambry Genetics
Classification: Likely benign for Hereditary cancer-predisposing syndrome. Last evaluated: 2022-07-07. Review status: criteria provided, single submitter. Criteria: Ambry Variant Classification Scheme 2023. Collection method: clinical testing. Allele origin: germline.

NM_016169.4(SUFU):c.90T>C (p.Phe30=)

Genes: SUFU (SUFU negative regulator of hedgehog signaling; plus strand), LOC130004614 (ATAC-STARR-seq lymphoblastoid silent region 2764; plus strand). Cytogenetic location: 10q24.32.
Variant type: single nucleotide variant.
Coding change: c.90T>C on transcript NM_016169.4 (MANE Select); coding-DNA position 90, T replaced by C.
Protein change: p.Phe30=; no amino-acid change (phenylalanine 30 retained).
Molecular consequence: synonymous variant.
Genome position (GRCh38, 1-based): chr10:102,504,242, T>C. VCF-style: chr10-102504242-T-C. GRCh37 (hg19) VCF-style: chr10-104263999-T-C.
Other names: c.90T>C, p.Phe30= (NM_001178133.2).
Identifiers: ClinVar variation 695391 (VCV000695391.21), dbSNP rs1589970035, ClinGen allele CA471304842.
Genomic context (GRCh38, chr10:102,504,242, plus strand): 5'-CGGCCCCACCGCGCCCCCGGCCCCTGGCCCGACTGCCCCCCCGGCCTTCGCTTCGCTCTT[T>C]CCCCCGGGACTGCACGCCATCTACGGAGAGTGCCGCCGCCTTTACCCTGACCAGCCGAAC-3'
Protein context (NP_057253.2, residues 20-40): PTAPPAFASL[Phe30=]PPGLHAIYGE